The following is an entry in ClinVar:

NM_000257.4(MYH7):c.3631C>G (p.Gln1211Glu)

Gene: MYH7 (myosin heavy chain 7; minus strand). Cytogenetic location: 14q11.2.
Variant type: single nucleotide variant.
Coding change: c.3631C>G on transcript NM_000257.4 (MANE Select); coding-DNA position 3631, C replaced by G.
Protein change: p.Gln1211Glu; replaces glutamine 1211 with glutamic acid.
Molecular consequence: missense variant.
Genome position (GRCh38, 1-based): chr14:23,419,940, G>C on the plus strand (C>G on the coding strand, the complement: MYH7 is on the minus strand). VCF-style: chr14-23419940-G-C. GRCh37 (hg19) VCF-style: chr14-23889149-G-C.
Other names: short protein forms Q1211E.
Identifiers: ClinVar variation 963658 (VCV000963658.11), dbSNP rs1892401667, ClinGen allele CA389043234.

ClinVar aggregate classification (germline): Uncertain significance. Review status: criteria provided, multiple submitters, no conflicts (2 of 4 stars). 2 submissions from 2 submitters: Uncertain significance (2). Last evaluated 2022-04-25.

Conditions:
Hypertrophic cardiomyopathy. Also called: HYPERTROPHIC MYOCARDIOPATHY. Identifiers: Orphanet 217569, MedGen C0007194, MeSH D002312, MONDO:0005045, HP:0001639.
Cardiovascular phenotype. Identifiers: MedGen CN230736.

Submissions (2):

Ambry Genetics
Classification: Uncertain significance for Cardiovascular phenotype. Last evaluated: 2022-04-25. Review status: criteria provided, single submitter. Criteria: Ambry Variant Classification Scheme 2023. Collection method: clinical testing. Allele origin: germline.
Comment: The p.Q1211E variant (also known as c.3631C>G), located in coding exon 25 of the MYH7 gene, results from a C to G substitution at nucleotide position 3631. The glutamine at codon 1211 is replaced by glutamic acid, an amino acid with highly similar properties. This amino acid position is highly conserved in available vertebrate species. In addition, the in silico prediction for this alteration is inconclusive. Since supporting evidence is limited at this time, the clinical significance of this alteration remains unclear.

Labcorp Genetics (formerly Invitae), Labcorp
Classification: Uncertain significance for Hypertrophic cardiomyopathy. Last evaluated: 2019-11-02. Review status: criteria provided, single submitter. Criteria: Invitae Variant Classification Sherloc (09022015). Collection method: clinical testing. Allele origin: germline.
Comment: In summary, the available evidence is currently insufficient to determine the role of this variant in disease. Therefore, it has been classified as a Variant of Uncertain Significance. This variant is not present in population databases (ExAC no frequency). This sequence change replaces glutamine with glutamic acid at codon 1211 of the MYH7 protein (p.Gln1211Glu). The glutamine residue is highly conserved and there is a small physicochemical difference between glutamine and glutamic acid. This variant has not been reported in the literature in individuals with MYH7-related conditions. Algorithms developed to predict the effect of missense changes on protein structure and function are either unavailable or do not agree on the potential impact of this missense change (SIFT: "Deleterious"; PolyPhen-2: "Possibly Damaging"; Align-GVGD: "Class C0").